The following is an entry in ClinVar:

NM_001130987.2(DYSF):c.554-3T>C

Gene: DYSF (dysferlin; plus strand). Cytogenetic location: 2p13.2.
Variant type: single nucleotide variant.
Coding change: c.554-3T>C on transcript NM_001130987.2 (MANE Select); 3 bases into the intron before coding-DNA position 554, T replaced by C.
Molecular consequence: intron variant.
Genome position (GRCh38, 1-based): chr2:71,513,713, T>C. VCF-style: chr2-71513713-T-C. GRCh37 (hg19) VCF-style: chr2-71740843-T-C.
Other names: c.551-3T>C (NM_001130979.2, NM_001130981.2, NM_001130980.2); c.458-3T>C (NM_001130978.2, NM_003494.4, NM_001130977.2 and 1 more transcripts); c.554-3T>C (NM_001130982.2, NM_001130985.2); c.461-3T>C (NM_001130983.2, NM_001130455.2, NM_001130984.2 and 1 more transcripts).
Identifiers: ClinVar variation 1967316 (VCV001967316.2), dbSNP rs2545395090, ClinGen allele CA2580067778.
Genomic context (GRCh38, chr2:71,513,713, plus strand): 5'-CAGGGGCAGGGGCAGGGGCAGGGCCAGAGGGATCCAGGCCTCATTAGGGCCCTCTCCTCT[T>C]AGACACAGGAGGAGAGGAAGACACAGAGGACCAGGGACTCACTGGAGATGAGGCGGAGCC-3'

ClinVar aggregate classification (germline): Uncertain significance (1 of 4 stars; one submission).

Conditions:
Neuromuscular disease caused by qualitative or quantitative defects of dysferlin. Also called: Qualitative or quantitative defects of dysferlin; Dysferlinopathy. Identifiers: Orphanet 207073, MedGen C2931687, MONDO:0016145.

Submission:

Labcorp Genetics (formerly Invitae), Labcorp
Classification: Uncertain significance for Neuromuscular disease caused by qualitative or quantitative defects of dysferlin. Last evaluated: 2022-05-03. Review status: criteria provided, single submitter. Criteria: Invitae Variant Classification Sherloc (09022015). Collection method: clinical testing. Allele origin: germline.
Comment: This sequence change falls in intron 5 of the DYSF gene. It does not directly change the encoded amino acid sequence of the DYSF protein. It affects a nucleotide within the consensus splice site. This variant is not present in population databases (gnomAD no frequency). This variant has not been reported in the literature in individuals affected with DYSF-related conditions. Variants that disrupt the consensus splice site are a relatively common cause of aberrant splicing (PMID: 17576681, 9536098). Algorithms developed to predict the effect of sequence changes on RNA splicing suggest that this variant is not likely to affect RNA splicing. In summary, the available evidence is currently insufficient to determine the role of this variant in disease. Therefore, it has been classified as a Variant of Uncertain Significance.

Literature cited by the submitters: PubMed 17576681; PubMed 9536098.